The following is an entry in ClinVar:

NM_001905.4(CTPS1):c.370T>G (p.Trp124Gly)

Gene: CTPS1 (CTP synthase 1; plus strand). Cytogenetic location: 1p34.2.
Variant type: single nucleotide variant.
Coding change: c.370T>G on transcript NM_001905.4 (MANE Select); coding-DNA position 370, T replaced by G.
Protein change: p.Trp124Gly; replaces tryptophan 124 with glycine.
Molecular consequence: missense variant. On other transcripts: non-coding transcript variant (1).
Genome position (GRCh38, 1-based): chr1:40,987,404, T>G. VCF-style: chr1-40987404-T-G. GRCh37 (hg19) VCF-style: chr1-41453076-T-G.
Other names: short protein forms W124G.
Identifiers: ClinVar variation 947271 (VCV000947271.7), dbSNP rs1642483599, ClinGen allele CA339901859.

ClinVar aggregate classification (germline): Uncertain significance (1 of 4 stars; one submission).

Conditions:
Combined immunodeficiency due to CTPS1 deficiency. Also called: Severe combined immunodeficiency due to CTPS1 deficiency; Immunodeficiency 24. Identifiers: Orphanet 420573, MedGen C4014617, MONDO:0014391, OMIM 615897.

Submission:

Labcorp Genetics (formerly Invitae), Labcorp
Classification: Uncertain significance for Combined immunodeficiency due to CTPS1 deficiency. Last evaluated: 2024-10-28. Review status: criteria provided, single submitter. Criteria: Invitae Variant Classification Sherloc (09022015). Collection method: clinical testing. Allele origin: germline.
Comment: This sequence change replaces tryptophan, which is neutral and slightly polar, with glycine, which is neutral and non-polar, at codon 124 of the CTPS1 protein (p.Trp124Gly). This variant is not present in population databases (gnomAD no frequency). This variant has not been reported in the literature in individuals affected with CTPS1-related conditions. ClinVar contains an entry for this variant (Variation ID: 947271). An algorithm developed to predict the effect of missense changes on protein structure and function (PolyPhen-2) suggests that this variant is likely to be disruptive. In summary, the available evidence is currently insufficient to determine the role of this variant in disease. Therefore, it has been classified as a Variant of Uncertain Significance.